The following is an entry in ClinVar:

ClinVar aggregate classification (germline): Uncertain significance. Review status: criteria provided, multiple submitters, no conflicts (2 of 4 stars). 4 submissions from 3 submitters: Uncertain significance (4). Last evaluated 2024-05-08.

Conditions:
Retinitis pigmentosa 39 (RP39). Identifiers: Orphanet 791, MedGen C3151138, MONDO:0013436, OMIM 613809.
Usher syndrome type 2A. Also called: RETINAL DISEASE IN USHER SYNDROME TYPE IIA, MODIFIER OF; USHER SYNDROME, TYPE IIA. Identifiers: Orphanet 231178, Orphanet 886, MedGen C1848634, MONDO:0010169, OMIM 276901.

Allele frequency attached by ClinVar (database versions not stated): gnomAD exomes below 0.00001.
gnomAD v4.1: 1 of 1,612,226 alleles (0.000062%); highest among the groups gnomAD compares: Non-Finnish European, 0.000085%; no homozygotes.

Submissions (4):

Labcorp Genetics (formerly Invitae), Labcorp
Classification: Uncertain significance. Last evaluated: 2024-05-08. Review status: criteria provided, single submitter. Criteria: Invitae Variant Classification Sherloc (09022015). Collection method: clinical testing. Allele origin: germline.
Comment: This sequence change replaces glycine, which is neutral and non-polar, with arginine, which is basic and polar, at codon 2171 of the USH2A protein (p.Gly2171Arg). This variant is not present in population databases (gnomAD no frequency). This variant has not been reported in the literature in individuals affected with USH2A-related conditions. ClinVar contains an entry for this variant (Variation ID: 1065675). Advanced modeling of protein sequence and biophysical properties (such as structural, functional, and spatial information, amino acid conservation, physicochemical variation, residue mobility, and thermodynamic stability) performed at Invitae indicates that this missense variant is expected to disrupt USH2A protein function with a positive predictive value of 95%. In summary, the available evidence is currently insufficient to determine the role of this variant in disease. Therefore, it has been classified as a Variant of Uncertain Significance.

Genome-Nilou Lab
Classification: Uncertain significance for Retinitis pigmentosa 39. Last evaluated: 2023-11-04. Review status: criteria provided, single submitter. Criteria: ACMG Guidelines, 2015. Collection method: clinical testing. Allele origin: germline. Affected: no.

Genome-Nilou Lab
Classification: Uncertain significance for Usher syndrome type 2A. Last evaluated: 2023-11-04. Review status: criteria provided, single submitter. Criteria: ACMG Guidelines, 2015. Collection method: clinical testing. Allele origin: germline. Affected: no.

Ocular Genomics Institute, Massachusetts Eye and Ear
Classification: Uncertain significance for Retinitis pigmentosa 39. Last evaluated: 2021-04-08. Review status: criteria provided, single submitter. Criteria: ACMG Guidelines, 2015. Collection method: research. Allele origin: germline. Affected: yes.
Comment: Through a review of available evidence we were able to apply the following criteria: PM2. Based on this evidence we have classified this variant as Variant of Uncertain Significance.

NM_206933.4(USH2A):c.6511G>A (p.Gly2171Arg)

Gene: USH2A (usherin; minus strand). Cytogenetic location: 1q41.
Variant type: single nucleotide variant.
Coding change: c.6511G>A on transcript NM_206933.4 (MANE Select); coding-DNA position 6511, G replaced by A.
Protein change: p.Gly2171Arg; replaces glycine 2171 with arginine.
Molecular consequence: missense variant.
Genome position (GRCh38, 1-based): chr1:215,999,033, C>T on the plus strand (G>A on the coding strand, the complement: USH2A is on the minus strand). VCF-style: chr1-215999033-C-T. GRCh37 (hg19) VCF-style: chr1-216172375-C-T.
Other names: short protein forms G2171R.
Identifiers: ClinVar variation 1065675 (VCV001065675.8), dbSNP rs1668203744, ClinGen allele CA344861489.
Genomic context (GRCh38, chr1:215,999,033, plus strand): 5'-TCCAAATTGTAAAATCATGTGTATGGTTTGACATATATAATACATAGCGTTCCAGAATCC[C>T]ACTTATTTTTCTTGGTTGTTTCCACCTGGGAATGGTAAAATACATTATTATCATTCATTC-3'
Protein context (NP_996816.3, residues 2161-2181): IQWKQPRKIS[Gly2171Arg]ILERYVLYMS